The following is an entry in ClinVar:

NM_000540.3(RYR1):c.2936C>T (p.Ala979Val)

Gene: RYR1 (ryanodine receptor 1; plus strand). Cytogenetic location: 19q13.2.
Variant type: single nucleotide variant.
Coding change: c.2936C>T on transcript NM_000540.3 (MANE Select); coding-DNA position 2936, C replaced by T.
Protein change: p.Ala979Val; replaces alanine 979 with valine.
Molecular consequence: missense variant.
Genome position (GRCh38, 1-based): chr19:38,466,156, C>T. VCF-style: chr19-38466156-C-T. GRCh37 (hg19) VCF-style: chr19-38956796-C-T.
Other names: c.2936C>T, p.Ala979Val (NM_001042723.2); c.2936C>T (NM_000540.2); short protein forms A979V.
Identifiers: ClinVar variation 1025536 (VCV001025536.9), dbSNP rs769902566, ClinGen allele CA064233.

ClinVar aggregate classification (germline): Uncertain significance. Review status: criteria provided, multiple submitters, no conflicts (2 of 4 stars). 4 submissions from 4 submitters: Uncertain significance (4). Last evaluated 2025-06-17.

Conditions:
RYR1-related disorder. Also called: RYR1-related condition; RYR1-related disorders. Identifiers: MedGen CN239331.
RYR1-related myopathy. Identifiers: Orphanet 98742, MedGen CN305348, MONDO:0100150.
Inborn genetic diseases. Identifiers: MedGen C0950123, MeSH D030342.

Allele frequency attached by ClinVar (database versions not stated): gnomAD exomes 0.00001 and 0.00002; ExAC 0.00002.
gnomAD v4.1: 9 of 1,613,348 alleles (0.00056%); highest among the groups gnomAD compares: South Asian, 0.0044%; no homozygotes.

Submissions (4):

Revvity Omics, Revvity
Classification: Uncertain significance. Last evaluated: 2025-06-17. Review status: criteria provided, single submitter. Criteria: ACMG Guidelines, 2015. Collection method: clinical testing. Allele origin: germline.

Ambry Genetics
Classification: Uncertain significance for Inborn genetic diseases. Last evaluated: 2024-12-07. Review status: criteria provided, single submitter. Criteria: Ambry Variant Classification Scheme 2023. Collection method: clinical testing. Allele origin: germline.

Victorian Clinical Genetics Services, Murdoch Childrens Research Institute
Classification: Uncertain significance for RYR1-related myopathy. Last evaluated: 2022-06-24. Review status: criteria provided, single submitter. Criteria: ACMG Guidelines, 2015. Collection method: clinical testing. Allele origin: germline. Affected: yes.
Comment: Based on the classification scheme VCGS_Germline_v1.3.4, this variant is classified as VUS-3B. Following criteria are met: 0103 - Loss of function and gain of function are known mechanisms of disease in this gene and are associated with RYR1-related disorders (OMIM). Gain of function mechanism has been described in the context of malignant hyperthermia susceptibility (MIM#145600), monoallelic central core disease and congenital neuromuscular disease with uniform type 1 fiber (MIM#117000). Biallelic central core disease, congenital neuromuscular disease with uniform type 1 fiber (MIM#117000) and minicore myopathy with external ophthalmoplegia (MIM#255320) are associated with a loss of function mechanism (PMIDs: 27855725, 23919265). (I) 0108 - This gene is associated with both recessive and dominant disease (OMIM). (I) 0200 - Variant is predicted to result in a missense amino acid change from alanine to valine. (I) 0251 - This variant is heterozygous. (I) 0302 - Variant is present in gnomAD (v2) <0.001 for a dominant condition (4 heterozygotes, 0 homozygotes). (SP) 0502 - Missense variant with conflicting in silico predictions and uninformative conservation. (I) 0600 - Variant is located in the annotated RYR1 domain (NCBI conserved domains). (I) 0710 - Another missense variant comparable to the one identified in this case has inconclusive previous evidence for pathogenicity. This alternative change (p.(Ala979Gly)) has been reported as a VUS (ClinVar). (I) 0809 - Previous evidence of pathogenicity for this variant is inconclusive. This variant has been previously reported as a VUS (ClinVar). (I) 0905 - No published segregation evidence has been identified for this variant. (I) 1007 - No published functional evidence has been identified for this variant. (I) 1208 - Inheritance information for this variant is not currently available in this individual. (I) Legend: (SP) - Supporting pathogenic, (I) - Information, (SB) - Supporting benign

Labcorp Genetics (formerly Invitae), Labcorp
Classification: Uncertain significance for RYR1-related disorder. Last evaluated: 2020-10-15. Review status: criteria provided, single submitter. Criteria: Invitae Variant Classification Sherloc (09022015). Collection method: clinical testing. Allele origin: germline.
Comment: This sequence change replaces alanine with valine at codon 979 of the RYR1 protein (p.Ala979Val). The alanine residue is highly conserved and there is a small physicochemical difference between alanine and valine. In summary, the available evidence is currently insufficient to determine the role of this variant in disease. Therefore, it has been classified as a Variant of Uncertain Significance. Algorithms developed to predict the effect of sequence changes on RNA splicing suggest that this variant may create or strengthen a splice site, but this prediction has not been confirmed by published transcriptional studies. Advanced modeling of protein sequence and biophysical properties (such as structural, functional, and spatial information, amino acid conservation, physicochemical variation, residue mobility, and thermodynamic stability) performed at Invitae indicates that this missense variant is not expected to disrupt RYR1 protein function. This variant has not been reported in the literature in individuals with RYR1-related conditions. This variant is present in population databases (rs769902566, ExAC 0.009%).

Literature cited by the submitters: PubMed 23919265 (cited by Victorian Clinical Genetics Services, Murdoch Childrens Research Institute); PubMed 27855725 (cited by Victorian Clinical Genetics Services, Murdoch Childrens Research Institute).